The following is an entry in ClinVar:

ClinVar aggregate classification (germline): Likely benign (0 of 4 stars; one submission).

Conditions:
AFF4-related disorder. Also called: AFF4-related condition.

gnomAD v4.1: 8 of 1,612,066 alleles (0.0005%); highest among the groups gnomAD compares: Non-Finnish European, 0.00025%; no homozygotes.

Submission:

PreventionGenetics, part of Exact Sciences
Classification: Likely benign for AFF4-related condition. Last evaluated: 2024-06-08. Review status: no assertion criteria provided. Collection method: clinical testing. Allele origin: germline.
Comment: This variant is classified as likely benign based on ACMG/AMP sequence variant interpretation guidelines (Richards et al. 2015 PMID: 25741868, with internal and published modifications).

NM_014423.4(AFF4):c.1173C>T (p.Asp391=)

Gene: AFF4 (ALF transcription elongation factor 4; minus strand). Cytogenetic location: 5q31.1.
Variant type: single nucleotide variant.
Coding change: c.1173C>T on transcript NM_014423.4 (MANE Select); coding-DNA position 1173, C replaced by T.
Protein change: p.Asp391=; no amino-acid change (aspartic acid 391 retained).
Molecular consequence: synonymous variant.
Genome position (GRCh38, 1-based): chr5:132,899,602, G>A on the plus strand (C>T on the coding strand, the complement: AFF4 is on the minus strand). VCF-style: chr5-132899602-G-A. GRCh37 (hg19) VCF-style: chr5-132235294-G-A.
Identifiers: ClinVar variation 3347213 (VCV003347213.1).